The following is an entry in ClinVar:

NM_000274.4(OAT):c.1014+6G>A

Gene: OAT (ornithine aminotransferase; minus strand). Cytogenetic location: 10q26.13.
Variant type: single nucleotide variant.
Coding change: c.1014+6G>A on transcript NM_000274.4 (MANE Select); 6 bases into the intron after coding-DNA position 1014, G replaced by A.
Molecular consequence: intron variant.
Genome position (GRCh38, 1-based): chr10:124,401,720, C>T on the plus strand (G>A on the coding strand, the complement: OAT is on the minus strand). VCF-style: chr10-124401720-C-T. GRCh37 (hg19) VCF-style: chr10-126090289-C-T.
Other names: c.1014+6G>A (NM_001322965.2, NM_001322969.2, NM_001322966.2 and 3 more transcripts); c.600+6G>A (NM_001171814.2); c.414+6G>A (NM_001322974.2); c.693+6G>A (NM_001322971.2).
Identifiers: ClinVar variation 2171773 (VCV002171773.3), dbSNP rs770102669, ClinGen allele CA215245931.
Genomic context (GRCh38, chr10:124,401,720, plus strand): 5'-CCAAATTAAAAATCACTTCAACATTGCTTTAAAGAATAGACACTGTGTGGCTGTATCAGT[C>T]TTTACCTCAAGGGCTGCGATGGCCACTCGGCAGCCTAGTGGATTGCCACCGTATGTGGAC-3'

ClinVar aggregate classification (germline): Uncertain significance (1 of 4 stars; one submission).

Conditions:
Ornithine aminotransferase deficiency (GACR). Also called: Ornithine ketoacid aminotransferase deficiency; Gyrate atrophy; Gyrate atrophy of choroid and retina; Girate atrophy of the retina; HYPERORNITHINEMIA WITH GYRATE ATROPHY OF CHOROID AND RETINA; OAT DEFICIENCY. Identifiers: Orphanet 414, MedGen C0018425, MONDO:0009796, OMIM 258870.

Allele frequency attached by ClinVar (database versions not stated): gnomAD 0.00001; TOPMed 0.00001; gnomAD exomes 0.00004.

Submission:

Labcorp Genetics (formerly Invitae), Labcorp
Classification: Uncertain significance for Ornithine aminotransferase deficiency. Last evaluated: 2024-02-24. Review status: criteria provided, single submitter. Criteria: Invitae Variant Classification Sherloc (09022015). Collection method: clinical testing. Allele origin: germline.
Comment: This sequence change falls in intron 8 of the OAT gene. It does not directly change the encoded amino acid sequence of the OAT protein. It affects a nucleotide within the consensus splice site. The frequency data for this variant in the population databases is considered unreliable, as metrics indicate poor data quality at this position in the gnomAD database. This variant has not been reported in the literature in individuals affected with OAT-related conditions. ClinVar contains an entry for this variant (Variation ID: 2171773). Variants that disrupt the consensus splice site are a relatively common cause of aberrant splicing (PMID: 17576681, 9536098). Algorithms developed to predict the effect of sequence changes on RNA splicing suggest that this variant is not likely to affect RNA splicing. In summary, the available evidence is currently insufficient to determine the role of this variant in disease. Therefore, it has been classified as a Variant of Uncertain Significance.

Literature cited by the submitters: PubMed 17576681; PubMed 9536098.